The following is an entry in ClinVar:

NM_002125.4(HLA-DRB5):c.402G>A (p.Arg134=)

Gene: HLA-DRB5 (major histocompatibility complex, class II, DR beta 5; minus strand). Cytogenetic location: 6p21.32.
Variant type: single nucleotide variant.
Coding change: c.402G>A on transcript NM_002125.4 (MANE Select); coding-DNA position 402, G replaced by A.
Protein change: p.Arg134=; no amino-acid change (arginine 134 retained).
Molecular consequence: synonymous variant.
Genome position (GRCh38, 1-based): chr6:32,519,620, C>T on the plus strand (G>A on the coding strand, the complement: HLA-DRB5 is on the minus strand). VCF-style: chr6-32519620-C-T. GRCh37 (hg19) VCF-style: chr6-32487397-C-T.
Identifiers: ClinVar variation 3025852 (VCV003025852.22), dbSNP rs202054400, ClinGen allele CA136990427.

ClinVar aggregate classification (germline): Likely benign (1 of 4 stars; one submission).

Submission:

CeGaT Center for Human Genetics Tuebingen
Classification: Likely benign. Last evaluated: 2025-01-01. Review status: criteria provided, single submitter. Criteria: CeGaT Center For Human Genetics Tuebingen Variant Classification Criteria Version 2. Collection method: clinical testing. Allele origin: germline. Affected: yes. Observed: 3 variant alleles.
Comment: HLA-DRB5: PM2:Supporting, BP4, BP7